The following is an entry in ClinVar:

NM_206933.4(USH2A):c.2915G>T (p.Cys972Phe)

Genes: USH2A (usherin; minus strand), USH2A-AS1 (USH2A antisense RNA 1; plus strand). Cytogenetic location: 1q41.
Variant type: single nucleotide variant.
Coding change: c.2915G>T on transcript NM_206933.4 (MANE Select); coding-DNA position 2915, G replaced by T.
Protein change: p.Cys972Phe; replaces cysteine 972 with phenylalanine.
Molecular consequence: missense variant.
Genome position (GRCh38, 1-based): chr1:216,232,031, C>A on the plus strand (G>T on the coding strand, the complement: USH2A is on the minus strand). VCF-style: chr1-216232031-C-A. GRCh37 (hg19) VCF-style: chr1-216405373-C-A.
Other names: c.2915G>T, p.Cys972Phe (NM_007123.6); short protein forms C972F.
Identifiers: ClinVar variation 2819764 (VCV002819764.3), dbSNP rs2528126640, ClinGen allele CA344863228.

ClinVar aggregate classification (germline): Likely pathogenic (1 of 4 stars; one submission).

Submission:

Labcorp Genetics (formerly Invitae), Labcorp
Classification: Likely pathogenic. Last evaluated: 2022-12-22. Review status: criteria provided, single submitter. Criteria: Invitae Variant Classification Sherloc (09022015). Collection method: clinical testing. Allele origin: germline.
Comment: In summary, the currently available evidence indicates that the variant is pathogenic, but additional data are needed to prove that conclusively. Therefore, this variant has been classified as Likely Pathogenic. This variant disrupts the p.Cys972 amino acid residue in USH2A. Other variant(s) that disrupt this residue have been determined to be pathogenic (PMID: 26338283, 33124170). This suggests that this residue is clinically significant, and that variants that disrupt this residue are likely to be disease-causing. Advanced modeling of protein sequence and biophysical properties (such as structural, functional, and spatial information, amino acid conservation, physicochemical variation, residue mobility, and thermodynamic stability) performed at Invitae indicates that this missense variant is expected to disrupt USH2A protein function. This variant has not been reported in the literature in individuals affected with USH2A-related conditions. This variant is not present in population databases (gnomAD no frequency). This sequence change replaces cysteine, which is neutral and slightly polar, with phenylalanine, which is neutral and non-polar, at codon 972 of the USH2A protein (p.Cys972Phe).

Literature cited by the submitters: PubMed 26338283; PubMed 33124170.